The following is an entry in ClinVar:

ClinVar aggregate classification (germline): Pathogenic (1 of 4 stars; one submission).

Conditions:
Marfan syndrome (MFS). Also called: MARFAN SYNDROME, TYPE I; Marfan syndrome type 1; Marfan's syndrome; Marfan syndrome, classic; FBN1-Related Marfan Syndrome. Identifiers: Orphanet 284963, Orphanet 558, MedGen C0024796, MONDO:0007947, OMIM 154700.
Familial thoracic aortic aneurysm and aortic dissection (TAAD). Also called: Thoracic aortic aneurysms and dissections. Identifiers: Orphanet 91387, MedGen C4707243, MONDO:0019625.

Submission:

Labcorp Genetics (formerly Invitae), Labcorp
Classification: Pathogenic for Marfan syndrome; Familial thoracic aortic aneurysm and aortic dissection. Last evaluated: 2021-11-02. Review status: criteria provided, single submitter. Criteria: Invitae Variant Classification Sherloc (09022015). Collection method: clinical testing. Allele origin: germline.
Comment: This sequence change creates a premature translational stop signal (p.Leu838Trpfs*9) in the FBN1 gene. It is expected to result in an absent or disrupted protein product. Loss-of-function variants in FBN1 are known to be pathogenic (PMID: 17657824, 19293843). For these reasons, this variant has been classified as Pathogenic. This variant is not present in population databases (gnomAD no frequency). This variant has not been reported in the literature in individuals affected with FBN1-related conditions.

Literature cited by the submitters: PubMed 17657824; PubMed 19293843.

NM_000138.5(FBN1):c.2513del (p.Leu838fs)

Gene: FBN1 (fibrillin 1; minus strand). Cytogenetic location: 15q21.1.
Variant type: Deletion.
Coding change: c.2513del on transcript NM_000138.5 (MANE Select); coding-DNA position 2513, one base deleted (T; older notation c.2513delT).
Protein change: p.Leu838fs; shifts the reading frame from leucine 838.
Molecular consequence: frameshift variant.
Genome position (GRCh38, 1-based): chr15:48,495,495, A deleted on the plus strand (T on the coding strand, the reverse complement: FBN1 is on the minus strand); the first of 3 consecutive A bases (chr15:48,495,495-48,495,497); deleting any one gives the same sequence. VCF-style (leftmost placement, unchanged base first): chr15-48495494-CA-C. GRCh37 (hg19) VCF-style: chr15-48787691-CA-C.
Other names: short protein forms L838fs.
Identifiers: ClinVar variation 1435587 (VCV001435587.6), dbSNP rs2141304158, ClinGen allele CA2573150811.
Genomic context (GRCh38, chr15:48,495,494, plus strand): 5'-AAACATAGAAAAATCATTCTCAGAAAGATAAATACCTATGCAGATGGTTTTTGTTGGATC[CA>C]AAGTACTTTCAGAAGAACATTCACAAATAAAAGAGCCTGGGCTGTTCTTGCAGACTCCAT-3'